The following is an entry in ClinVar:

ClinVar aggregate classification (germline): Benign/Likely benign. Review status: criteria provided, multiple submitters, no conflicts (2 of 4 stars). 5 submissions from 5 submitters: Benign (4); Likely benign (1). Last evaluated 2026-08-01.

Allele frequency attached by ClinVar (database versions not stated): 1000 Genomes Project 30x 0.00328; 1000 Genomes Project 0.00339; TOPMed 0.00730; gnomAD 0.00777 and 0.00790; gnomAD exomes 0.00798; ExAC 0.00863; ESP Exome Variant Server 0.00961.
gnomAD v4.1: 16,395 of 1,613,956 alleles (1%); highest among the groups gnomAD compares: Non-Finnish European, 1.2%; 106 homozygotes.

Submissions (5):

CeGaT Center for Human Genetics Tuebingen
Classification: Benign. Last evaluated: 2026-08-01. Review status: criteria provided, single submitter. Criteria: CeGaT Center For Human Genetics Tuebingen Variant Classification Criteria Version 2. Collection method: clinical testing. Allele origin: germline. Affected: yes. Observed: 7 variant alleles.
Comment: ANO6: BP4, BP7, BS1, BS2

Labcorp Genetics (formerly Invitae), Labcorp
Classification: Benign. Last evaluated: 2026-02-01. Review status: criteria provided, single submitter. Criteria: Invitae Variant Classification Sherloc (09022015). Collection method: clinical testing. Allele origin: germline.

Mayo Clinic Laboratories, Mayo Clinic
Classification: Likely benign. Last evaluated: 2025-10-15. Review status: criteria provided, single submitter. Criteria: ACMG Guidelines, 2015. Collection method: clinical testing. Allele origin: germline. Observed: 9 variant alleles.
Comment: BP4, BP7

Breakthrough Genomics
Classification: Benign. Review status: criteria provided, single submitter. Criteria: ACMG Guidelines, 2015. Collection method: not provided. Allele origin: germline. Inheritance: Autosomal recessive inheritance. Affected: yes.

PreventionGenetics, part of Exact Sciences
Classification: Benign. Review status: criteria provided, single submitter. Criteria: ACMG Guidelines, 2015. Collection method: clinical testing. Allele origin: germline.

NM_001025356.3(ANO6):c.936C>T (p.Ala312=)

Gene: ANO6 (anoctamin 6; plus strand). Cytogenetic location: 12q12.
Variant type: single nucleotide variant.
Coding change: c.936C>T on transcript NM_001025356.3 (MANE Select); coding-DNA position 936, C replaced by T.
Protein change: p.Ala312=; no amino-acid change (alanine 312 retained).
Molecular consequence: synonymous variant.
Genome position (GRCh38, 1-based): chr12:45,357,362, C>T. VCF-style: chr12-45357362-C-T. GRCh37 (hg19) VCF-style: chr12-45751145-C-T.
Other names: p.Ala312=; c.882C>T, p.Ala294= (NM_001142678.2); c.936C>T, p.Ala312= (NM_001142679.2); c.999C>T, p.Ala333= (NM_001204803.2).
Identifiers: ClinVar variation 257148 (VCV000257148.32), dbSNP rs145896287, ClinGen allele CA6525142.